The following is an entry in ClinVar:

ClinVar aggregate classification (germline): Uncertain significance (1 of 4 stars; one submission).

Submission:

GeneDx
Classification: Uncertain significance. Last evaluated: 2024-12-27. Review status: criteria provided, single submitter. Criteria: GeneDx Variant Classification Process June 2021. Collection method: clinical testing. Allele origin: germline. Affected: yes.
Comment: Not observed at significant frequency in large population cohorts (gnomAD); In silico analysis supports that this missense variant has a deleterious effect on protein structure/function; Has not been previously published as pathogenic or benign to our knowledge

NM_001372066.1(TFAP2A):c.881T>A (p.Leu294Gln)

Gene: TFAP2A (transcription factor AP-2 alpha; minus strand). Cytogenetic location: 6p24.3.
Variant type: single nucleotide variant.
Coding change: c.881T>A on transcript NM_001372066.1 (MANE Select); coding-DNA position 881, T replaced by A.
Protein change: p.Leu294Gln; replaces leucine 294 with glutamine.
Molecular consequence: missense variant.
Genome position (GRCh38, 1-based): chr6:10,402,500, A>T on the plus strand (T>A on the coding strand, the complement: TFAP2A is on the minus strand). VCF-style: chr6-10402500-A-T. GRCh37 (hg19) VCF-style: chr6-10402733-A-T.
Other names: c.857T>A, p.Leu286Gln (NM_001032280.3); c.863T>A, p.Leu288Gln (NM_001042425.3); short protein forms L286Q, L288Q, L294Q.
Identifiers: ClinVar variation 3373130 (VCV003373130.2).